The following is an entry in ClinVar:

ClinVar aggregate classification (germline): Uncertain significance (1 of 4 stars; one submission).

Submission:

GeneDx
Classification: Uncertain significance. Last evaluated: 2024-05-16. Review status: criteria provided, single submitter. Criteria: GeneDx Variant Classification Process June 2021. Collection method: clinical testing. Allele origin: germline. Affected: yes.
Comment: Not observed at significant frequency in large population cohorts (gnomAD); In silico analysis indicates that this missense variant does not alter protein structure/function; Has not been previously published as pathogenic or benign to our knowledge

NM_006015.6(ARID1A):c.2557C>T (p.Leu853Phe)

Gene: ARID1A (AT-rich interaction domain 1A; plus strand). Cytogenetic location: 1p36.11.
Variant type: single nucleotide variant.
Coding change: c.2557C>T on transcript NM_006015.6 (MANE Select); coding-DNA position 2557, C replaced by T.
Protein change: p.Leu853Phe; replaces leucine 853 with phenylalanine.
Molecular consequence: missense variant.
Genome position (GRCh38, 1-based): chr1:26,763,110, C>T. VCF-style: chr1-26763110-C-T. GRCh37 (hg19) VCF-style: chr1-27089601-C-T.
Other names: c.2557C>T, p.Leu853Phe (NM_139135.4); short protein forms L853F.
Identifiers: ClinVar variation 3381482 (VCV003381482.1).